The following is an entry in ClinVar:

NM_002880.4(RAF1):c.1616A>G (p.Tyr539Cys)

Gene: RAF1 (Raf-1 proto-oncogene, serine/threonine kinase; minus strand). Cytogenetic location: 3p25.2.
Variant type: single nucleotide variant.
Coding change: c.1616A>G on transcript NM_002880.4 (MANE Select); coding-DNA position 1616, A replaced by G.
Protein change: p.Tyr539Cys; replaces tyrosine 539 with cysteine.
Molecular consequence: missense variant. On other transcripts: non-coding transcript variant (3).
Genome position (GRCh38, 1-based): chr3:12,585,174, T>C on the plus strand (A>G on the coding strand, the complement: RAF1 is on the minus strand). VCF-style: chr3-12585174-T-C. GRCh37 (hg19) VCF-style: chr3-12626673-T-C.
Other names: c.1676A>G, p.Tyr559Cys (NM_001354689.3); c.1616A>G, p.Tyr539Cys (NM_001354690.3); c.1373A>G, p.Tyr458Cys (NM_001354691.3, NM_001354692.3); c.1517A>G, p.Tyr506Cys (NM_001354693.3); c.1433A>G, p.Tyr478Cys (NM_001354694.3); c.1274A>G, p.Tyr425Cys (NM_001354695.3); short protein forms Y478C, Y425C, Y506C, Y539C, Y458C, Y559C.
Identifiers: ClinVar variation 2767716 (VCV002767716.3), dbSNP rs2125322202, ClinGen allele CA351497534.

ClinVar aggregate classification (germline): Uncertain significance (1 of 4 stars; one submission).

Conditions:
RASopathy. Also called: rasopathies; Noonan spectrum disorder. Identifiers: Orphanet 536391, MedGen C5555857, MONDO:0021060.

Submission:

Labcorp Genetics (formerly Invitae), Labcorp
Classification: Uncertain significance for RASopathy. Last evaluated: 2023-10-20. Review status: criteria provided, single submitter. Criteria: Invitae Variant Classification Sherloc (09022015). Collection method: clinical testing. Allele origin: germline.
Comment: This sequence change replaces tyrosine, which is neutral and polar, with cysteine, which is neutral and slightly polar, at codon 539 of the RAF1 protein (p.Tyr539Cys). This variant is not present in population databases (gnomAD no frequency). This variant has not been reported in the literature in individuals affected with RAF1-related conditions. Advanced modeling of protein sequence and biophysical properties (such as structural, functional, and spatial information, amino acid conservation, physicochemical variation, residue mobility, and thermodynamic stability) performed at Invitae indicates that this missense variant is expected to disrupt RAF1 protein function. In summary, the available evidence is currently insufficient to determine the role of this variant in disease. Therefore, it has been classified as a Variant of Uncertain Significance.